The following is an entry in ClinVar:

NM_004369.4(COL6A3):c.1628A>G (p.Tyr543Cys)

Gene: COL6A3 (collagen type VI alpha 3 chain; minus strand). Cytogenetic location: 2q37.3.
Variant type: single nucleotide variant.
Coding change: c.1628A>G on transcript NM_004369.4 (MANE Select); coding-DNA position 1628, A replaced by G.
Protein change: p.Tyr543Cys; replaces tyrosine 543 with cysteine.
Molecular consequence: missense variant.
Genome position (GRCh38, 1-based): chr2:237,381,184, T>C on the plus strand (A>G on the coding strand, the complement: COL6A3 is on the minus strand). VCF-style: chr2-237381184-T-C. GRCh37 (hg19) VCF-style: chr2-238289827-T-C.
Other names: c.407A>G, p.Tyr136Cys (NM_057164.5, NM_057166.5); c.1010A>G, p.Tyr337Cys (NM_057165.5, NM_057167.4); short protein forms Y136C, Y337C, Y543C.
Identifiers: ClinVar variation 4005512 (VCV004005512.2).

ClinVar aggregate classification (germline): Uncertain significance. Review status: criteria provided, multiple submitters, no conflicts (2 of 4 stars). 2 submissions from 2 submitters: Uncertain significance (2). Last evaluated 2025-05-06.

Conditions:
Inborn genetic diseases. Identifiers: MedGen C0950123, MeSH D030342.

Submissions (2):

Ambry Genetics
Classification: Uncertain significance for Inborn genetic diseases. Last evaluated: 2025-05-06. Review status: criteria provided, single submitter. Criteria: Ambry Variant Classification Scheme 2023. Collection method: clinical testing. Allele origin: germline.

GeneDx
Classification: Uncertain significance. Last evaluated: 2025-03-26. Review status: criteria provided, single submitter. Criteria: GeneDx Variant Classification Process June 2021. Collection method: clinical testing. Allele origin: germline. Affected: yes.
Comment: Not observed at significant frequency in large population cohorts (gnomAD); In silico analysis indicates that this missense variant does not alter protein structure/function; Has not been previously published as pathogenic or benign to our knowledge